The following is an entry in ClinVar:

ClinVar aggregate classification (germline): Uncertain significance (1 of 4 stars; one submission).

Conditions:
Xeroderma pigmentosum, group D (XPD). Also called: ERCC2-Related Xeroderma Pigmentosum; XERODERMA PIGMENTOSUM IV; XP, GROUP D; XP, GROUP H; XERODERMA PIGMENTOSUM, COMPLEMENTATION GROUP D. Identifiers: MedGen C0268138, MONDO:0010212, OMIM 278730.

Submission:

Molecular Genetics, Royal Melbourne Hospital
Classification: Uncertain significance for Xeroderma pigmentosum, group D. Last evaluated: 2023-03-30. Review status: criteria provided, single submitter. Criteria: ACMG Guidelines, 2015. Collection method: clinical testing. Allele origin: germline. Affected: yes.
Comment: This sequence change in ERCC2 is predicted to replace lysine with methionine at codon 689, p.(Lys689Met). The lysine residue is highly conserved (100 vertebrates, UCSC), and is located in a nuclear localisation signal. There is a moderate physicochemical difference between lysine and methionine. This variant is absent from the population database gnomAD v2.1 and v3.1. To our knowledge, this variant has not been reported in the literature in any individuals with ERCC2-related disease. This variant has been observed in trans with the variant c.2150C>G, p.(Ala717Gly) which is classified as pathogenic in an individual with a phenotype consistent with xeroderma pigmentosum-Cockayne syndrome complex (Royal Melbourne Hospital). The XP-D complementation group was also identified in XP complementation analysis of this individual's cells, which is highly specific for ERCC2-related XP. Multiple lines of computational evidence predict a deleterious effect for the missense substitution (6/6 algorithms). Based on the classification scheme RMH Modified ACMG Guidelines v1.5.1, this variant is classified as a VARIANT OF UNCERTAIN SIGNIFICANCE. Following criteria are met: PM3, PM2_Supporting, PP3, PP4.

NM_000400.4(ERCC2):c.2066A>T (p.Lys689Met)

Gene: ERCC2 (ERCC excision repair 2, TFIIH core complex helicase subunit; minus strand). Cytogenetic location: 19q13.32.
Variant type: single nucleotide variant.
Coding change: c.2066A>T on transcript NM_000400.4 (MANE Select); coding-DNA position 2066, A replaced by T.
Protein change: p.Lys689Met; replaces lysine 689 with methionine.
Molecular consequence: missense variant.
Genome position (GRCh38, 1-based): chr19:45,352,333, T>A on the plus strand (A>T on the coding strand, the complement: ERCC2 is on the minus strand). VCF-style: chr19-45352333-T-A. GRCh37 (hg19) VCF-style: chr19-45855591-T-A.
Other names: short protein forms K689M.
Identifiers: ClinVar variation 3068541 (VCV003068541.1), dbSNP rs2513998110, ClinGen allele CA406362450.